The following is an entry in ClinVar:

NM_181552.4(CUX1):c.597C>A (p.Ser199Arg)

Gene: CUX1 (cut like homeobox 1; plus strand). Cytogenetic location: 7q22.1.
Variant type: single nucleotide variant.
Coding change: c.597C>A on transcript NM_181552.4 (MANE Select); coding-DNA position 597, C replaced by A.
Protein change: p.Ser199Arg; replaces serine 199 with arginine.
Molecular consequence: missense variant.
Genome position (GRCh38, 1-based): chr7:102,111,764, C>A. VCF-style: chr7-102111764-C-A. GRCh37 (hg19) VCF-style: chr7-101755044-C-A.
Other names: c.630C>A, p.Ser210Arg (NM_001202543.2, NM_001913.5, NM_181500.4); c.582C>A, p.Ser194Arg (NM_001202544.3); c.492C>A, p.Ser164Arg (NM_001202545.3); c.519C>A, p.Ser173Arg (NM_001202546.3); short protein forms S164R, S173R, S194R, S199R, S210R.
Identifiers: ClinVar variation 4881271 (VCV004881271.2).

ClinVar aggregate classification (germline): Uncertain significance (1 of 4 stars; one submission).

Conditions:
Global developmental delay with or without impaired intellectual development. Identifiers: MedGen C5193032, MONDO:0032680, OMIM 618330.

Submission:

Dasa
Classification: Uncertain significance for global developmental delay with or without impaired intellectual development. Last evaluated: 2025-12-30. Review status: criteria provided, single submitter. Criteria: DASA Assertion Criteria. Collection method: clinical testing. Allele origin: germline.
Comment: NM_181552.4(CUX1):c.597C>A (p.Ser199Arg) is a missense variant that results in the substitution of serine with arginine. This variant is rare in population databases. Computational prediction algorithms are consistent with a benign effect. The currently available literature and clinical evidence are not sufficient to establish a definitive association between this variant and the reported condition. Therefore, this variant is classified as a variant of uncertain significance.